The following is an entry in ClinVar:

ClinVar aggregate classification (germline): Likely pathogenic (1 of 4 stars; one submission).

Conditions:
Actin accumulation myopathy (CMYO2A). Also called: Myopathy, actin, congenital, with cores; Nemaline myopathy 3, with intranuclear rods; Nemaline myopathy type 3; Myopathy, actin, congenital, with excess of thin myofilaments; CONGENITAL MYOPATHY 2A, TYPICAL, AUTOSOMAL DOMINANT. Identifiers: Orphanet 98904, MedGen C3711389, MONDO:0008070, OMIM 161800.

Submission:

Labcorp Genetics (formerly Invitae), Labcorp
Classification: Likely pathogenic for Actin accumulation myopathy. Last evaluated: 2018-09-04. Review status: criteria provided, single submitter. Criteria: Invitae Variant Classification Sherloc (09022015). Collection method: clinical testing. Allele origin: germline.
Comment: This sequence change replaces arginine with cysteine at codon 256 of the ACTA1 protein (p.Arg256Cys). The arginine residue is highly conserved and there is a large physicochemical difference between arginine and cysteine. This variant is not present in population databases (ExAC no frequency). Algorithms developed to predict the effect of missense changes on protein structure and function do not agree on the potential impact of this missense change (SIFT: "Deleterious"; PolyPhen-2: "Probably Damaging"; Align-GVGD: "Class C0"). In summary, the currently available evidence indicates that the variant is pathogenic, but additional data are needed to prove that conclusively. Therefore, this variant has been classified as Likely Pathogenic.

NM_001100.4(ACTA1):c.766C>T (p.Arg256Cys)

Gene: ACTA1 (actin alpha 1, skeletal muscle; minus strand). Cytogenetic location: 1q42.13.
Variant type: single nucleotide variant.
Coding change: c.766C>T on transcript NM_001100.4 (MANE Select); coding-DNA position 766, C replaced by T.
Protein change: p.Arg256Cys; replaces arginine 256 with cysteine.
Molecular consequence: missense variant.
Genome position (GRCh38, 1-based): chr1:229,432,036, G>A on the plus strand (C>T on the coding strand, the complement: ACTA1 is on the minus strand). VCF-style: chr1-229432036-G-A. GRCh37 (hg19) VCF-style: chr1-229567783-G-A.
Other names: short protein forms R256C.
Identifiers: ClinVar variation 567852 (VCV000567852.2), dbSNP rs1558081624, ClinGen allele CA345146594.